The following is an entry in ClinVar:

NM_001378454.1(ALMS1):c.8979T>G (p.Cys2993Trp)

Gene: ALMS1 (ALMS1 centrosome and basal body associated protein; plus strand). Cytogenetic location: 2p13.1.
Variant type: single nucleotide variant.
Coding change: c.8979T>G on transcript NM_001378454.1 (MANE Select); coding-DNA position 8979, T replaced by G.
Protein change: p.Cys2993Trp; replaces cysteine 2993 with tryptophan.
Molecular consequence: missense variant.
Genome position (GRCh38, 1-based): chr2:73,490,938, T>G. VCF-style: chr2-73490938-T-G. GRCh37 (hg19) VCF-style: chr2-73718065-T-G.
Other names: c.8982T>G, p.Cys2994Trp (NM_015120.4); short protein forms C2993W, C2994W.
Identifiers: ClinVar variation 3705441 (VCV003705441.2).
Genomic context (GRCh38, chr2:73,490,938, plus strand): 5'-GCCAGGTGTAGATGACCAAATGAATAAACACCATTTTCCCCTTCCTCAAGGTCAGGATTG[T>G]GTAGTGGAAAAGAATAATCAACATAAGCCTAAATCACACATTTCTAATATAAATGTTGAA-3'
Protein context (NP_001365383.1, residues 2983-3003): HHFPLPQGQD[Cys2993Trp]VVEKNNQHKP

ClinVar aggregate classification (germline): Uncertain significance (1 of 4 stars; one submission).

Conditions:
Alstrom syndrome (ALMS). Identifiers: Orphanet 64, MedGen C0268425, MONDO:0008763, OMIM 203800.

gnomAD v4.1: 3 of 1,614,008 alleles (0.00019%); highest among the groups gnomAD compares: African/African-American, 0.004%; no homozygotes.

Submission:

Labcorp Genetics (formerly Invitae), Labcorp
Classification: Uncertain significance for Alstrom syndrome. Last evaluated: 2024-08-28. Review status: criteria provided, single submitter. Criteria: Invitae Variant Classification Sherloc (09022015). Collection method: clinical testing. Allele origin: germline.
Comment: This sequence change replaces cysteine, which is neutral and slightly polar, with tryptophan, which is neutral and slightly polar, at codon 2994 of the ALMS1 protein (p.Cys2994Trp). This variant is present in population databases (no rsID available, gnomAD 0.01%). This variant has not been reported in the literature in individuals affected with ALMS1-related conditions. An algorithm developed to predict the effect of missense changes on protein structure and function outputs the following: PolyPhen-2: "Not Available". The tryptophan amino acid residue is found in multiple mammalian species, which suggests that this missense change does not adversely affect protein function. In summary, the available evidence is currently insufficient to determine the role of this variant in disease. Therefore, it has been classified as a Variant of Uncertain Significance.